The following is an entry in ClinVar:

NM_000217.3(KCNA1):c.104G>A (p.Cys35Tyr)

Gene: KCNA1 (potassium voltage-gated channel subfamily A member 1; plus strand). Cytogenetic location: 12p13.32.
Variant type: single nucleotide variant.
Coding change: c.104G>A on transcript NM_000217.3 (MANE Select); coding-DNA position 104, G replaced by A.
Protein change: p.Cys35Tyr; replaces cysteine 35 with tyrosine.
Molecular consequence: missense variant.
Genome position (GRCh38, 1-based): chr12:4,911,482, G>A. VCF-style: chr12-4911482-G-A. GRCh37 (hg19) VCF-style: chr12-5020648-G-A.
Other names: c.104G>A (NM_000217.2); short protein forms C35Y.
Identifiers: ClinVar variation 4748045 (VCV004748045.2).

ClinVar aggregate classification (germline): Uncertain significance. Review status: criteria provided, multiple submitters, no conflicts (2 of 4 stars). 2 submissions from 2 submitters: Uncertain significance (2). Last evaluated 2026-03-03.

Conditions:
Episodic ataxia type 1 (EA1). Also called: ATAXIA, EPISODIC, WITH MYOKYMIA; Episodic ataxia/myokymia syndrome; MYOKYMIA WITH PERIODIC ATAXIA; PAROXYSMAL ATAXIA WITH NEUROMYOTONIA, HEREDITARY. Identifiers: Orphanet 37612, Orphanet 972, MedGen C1719788, MONDO:0008047, OMIM 160120.

gnomAD v4.1: 6 of 1,614,102 alleles (0.00037%); highest among the groups gnomAD compares: Non-Finnish European, 0.00051%; no homozygotes.

Submissions (2):

GeneDx
Classification: Uncertain significance. Last evaluated: 2026-03-03. Review status: criteria provided, single submitter. Criteria: GeneDx Variant Classification Process June 2021. Collection method: clinical testing. Allele origin: germline.
Comment: Not observed at significant frequency in large population cohorts (gnomAD); In silico analysis supports that this missense variant has a deleterious effect on protein structure/function; Has not been previously published as pathogenic or benign to our knowledge

Labcorp Genetics (formerly Invitae), Labcorp
Classification: Uncertain significance for Episodic ataxia type 1. Last evaluated: 2025-09-20. Review status: criteria provided, single submitter. Criteria: Invitae Variant Classification Sherloc (09022015). Collection method: clinical testing. Allele origin: germline.
Comment: This sequence change replaces cysteine, which is neutral and slightly polar, with tyrosine, which is neutral and polar, at codon 35 of the KCNA1 protein (p.Cys35Tyr). This variant is not present in population databases (gnomAD no frequency). This variant has not been reported in the literature in individuals affected with KCNA1-related conditions. Invitae Evidence Modeling of protein sequence and biophysical properties (such as structural, functional, and spatial information, amino acid conservation, physicochemical variation, residue mobility, and thermodynamic stability) has been performed for this missense variant. However, the output from this modeling did not meet the statistical confidence thresholds required to predict the impact of this variant on KCNA1 protein function. In summary, the available evidence is currently insufficient to determine the role of this variant in disease. Therefore, it has been classified as a Variant of Uncertain Significance.